The following is an entry in ClinVar:

NM_001282225.2(ADA2):c.1085G>A (p.Trp362Ter)

Gene: ADA2 (adenosine deaminase 2; minus strand). Cytogenetic location: 22q11.1.
Variant type: single nucleotide variant.
Coding change: c.1085G>A on transcript NM_001282225.2 (MANE Select); coding-DNA position 1085, G replaced by A.
Protein change: p.Trp362Ter; replaces tryptophan 362 with a stop codon.
Molecular consequence: nonsense.
Genome position (GRCh38, 1-based): chr22:17,182,758, C>T on the plus strand (G>A on the coding strand, the complement: ADA2 is on the minus strand). VCF-style: chr22-17182758-C-T. GRCh37 (hg19) VCF-style: chr22-17663648-C-T.
Other names: c.1085G>A, p.Trp362Ter (NM_001282226.2); c.959G>A, p.Trp320Ter (NM_001282227.2, NM_001282228.2); c.725G>A, p.Trp242Ter (NM_001282229.2); c.362G>A, p.Trp121Ter (NM_177405.3); short protein forms W242*, W121*, W320*, W362*.
Identifiers: ClinVar variation 862977 (VCV000862977.10), dbSNP rs755007390, ClinGen allele CA10087955.

ClinVar aggregate classification (germline): Pathogenic (1 of 4 stars; one submission).

Conditions:
Deficiency of adenosine deaminase 2. Also called: Adenosine Deaminase 2 Deficiency; VASCULITIS, AUTOINFLAMMATION, IMMUNODEFICIENCY, AND HEMATOLOGIC DEFECTS SYNDROME; Polyarteritis nodosa, childhoood-onset. Identifiers: Orphanet 404553, MedGen C3887654, MONDO:0014306, OMIM 615688, MONDO:0100317.

Allele frequency attached by ClinVar (database versions not stated): gnomAD exomes 0.00001 and 0.00002; ExAC 0.00003.
gnomAD v4.1: 8 of 1,612,918 alleles (0.0005%); highest among the groups gnomAD compares: South Asian, 0.0077%; no homozygotes.

Submission:

Labcorp Genetics (formerly Invitae), Labcorp
Classification: Pathogenic for Deficiency of adenosine deaminase 2. Last evaluated: 2024-01-04. Review status: criteria provided, single submitter. Criteria: Invitae Variant Classification Sherloc (09022015). Collection method: clinical testing. Allele origin: germline.
Comment: This sequence change creates a premature translational stop signal (p.Trp362*) in the ADA2 gene. It is expected to result in an absent or disrupted protein product. Loss-of-function variants in ADA2 are known to be pathogenic (PMID: 24552284, 24552285). This variant is present in population databases (rs755007390, gnomAD 0.02%). This variant has not been reported in the literature in individuals affected with ADA2-related conditions. ClinVar contains an entry for this variant (Variation ID: 862977). Algorithms developed to predict the effect of sequence changes on RNA splicing suggest that this variant may create or strengthen a splice site. For these reasons, this variant has been classified as Pathogenic.

Literature cited by the submitters: PubMed 24552284; PubMed 24552285.